The following is an entry in ClinVar:

NM_006648.4(WNK2):c.5920A>G (p.Thr1974Ala)

Gene: WNK2 (WNK lysine deficient protein kinase 2; plus strand). Cytogenetic location: 9q22.31.
Variant type: single nucleotide variant.
Coding change: c.5920A>G on transcript NM_006648.4 (MANE Select); coding-DNA position 5920, A replaced by G.
Protein change: p.Thr1974Ala; replaces threonine 1974 with alanine.
Molecular consequence: missense variant.
Genome position (GRCh38, 1-based): chr9:93,298,064, A>G. VCF-style: chr9-93298064-A-G. GRCh37 (hg19) VCF-style: chr9-96060346-A-G.
Other names: c.6031A>G, p.Thr2011Ala (NM_001282394.3); short protein forms T1974A, T2011A.
Identifiers: ClinVar variation 5031964 (VCV005031964.1).

ClinVar aggregate classification (germline): Uncertain significance (1 of 4 stars; one submission).

gnomAD v4.1: 1 of 1,549,574 alleles (0.000065%); highest among the groups gnomAD compares: Non-Finnish European, 0.000087%; no homozygotes.

Submission:

Ambry Genetics
Classification: Uncertain significance. Last evaluated: 2026-09-01. Review status: criteria provided, single submitter. Criteria: Ambry Variant Classification Scheme 2023. Collection method: clinical testing. Allele origin: germline.
Comment: The p.T1974A variant (also known as c.5920A>G), located in coding exon 23 of the WNK2 gene, results from an A to G substitution at nucleotide position 5920. The threonine at codon 1974 is replaced by alanine, an amino acid with similar properties. This amino acid position is conserved. In addition, this alteration is predicted to be tolerated by in silico analysis. Based on the available evidence, the clinical significance of this variant remains unclear.